The following is an entry in ClinVar:

ClinVar aggregate classification (germline): Uncertain significance (1 of 4 stars; one submission).

Allele frequency attached by ClinVar (database versions not stated): gnomAD exomes below 0.00001; gnomAD 0.00001; TOPMed 0.00002.
gnomAD v4.1: 3 of 1,613,854 alleles (0.00019%); highest among the groups gnomAD compares: Non-Finnish European, 0.00025%; no homozygotes.

Submission:

Labcorp Genetics (formerly Invitae), Labcorp
Classification: Uncertain significance. Last evaluated: 2023-09-27. Review status: criteria provided, single submitter. Criteria: Invitae Variant Classification Sherloc (09022015). Collection method: clinical testing. Allele origin: germline.
Comment: This variant has not been reported in the literature in individuals affected with MMP14-related conditions. This variant is not present in population databases (gnomAD no frequency). This sequence change falls in intron 6 of the MMP14 gene. It does not directly change the encoded amino acid sequence of the MMP14 protein. Algorithms developed to predict the effect of sequence changes on RNA splicing suggest that this variant may disrupt the consensus splice site. In summary, the available evidence is currently insufficient to determine the role of this variant in disease. Therefore, it has been classified as a Variant of Uncertain Significance.

NM_004995.4(MMP14):c.1012-18G>T

Gene: MMP14 (matrix metallopeptidase 14; plus strand). Cytogenetic location: 14q11.2.
Variant type: single nucleotide variant.
Coding change: c.1012-18G>T on transcript NM_004995.4 (MANE Select); 18 bases into the intron before coding-DNA position 1012, G replaced by T.
Molecular consequence: intron variant.
Genome position (GRCh38, 1-based): chr14:22,844,353, G>T. VCF-style: chr14-22844353-G-T. GRCh37 (hg19) VCF-style: chr14-23313562-G-T.
Identifiers: ClinVar variation 2973838 (VCV002973838.3), dbSNP rs1451871320, ClinGen allele CA704251655.